The following is an entry in ClinVar:

NM_001165963.4(SCN1A):c.226C>A (p.Pro76Thr)

Gene: SCN1A (sodium voltage-gated channel alpha subunit 1; minus strand). Cytogenetic location: 2q24.3.
Variant type: single nucleotide variant.
Coding change: c.226C>A on transcript NM_001165963.4 (MANE Select); coding-DNA position 226, C replaced by A.
Protein change: p.Pro76Thr; replaces proline 76 with threonine.
Molecular consequence: missense variant. On other transcripts: 5 prime UTR variant (1), non-coding transcript variant (1).
Genome position (GRCh38, 1-based): chr2:166,073,396, G>T on the plus strand (C>A on the coding strand, the complement: SCN1A is on the minus strand). VCF-style: chr2-166073396-G-T. GRCh37 (hg19) VCF-style: chr2-166929906-G-T.
Other names: c.226C>A, p.Pro76Thr (NM_001202435.3, NM_001165964.3, NM_001353957.2 and 10 more transcripts); c.-2200C>A (NM_001353961.2); short protein forms P76T.
Identifiers: ClinVar variation 2734321 (VCV002734321.3), dbSNP rs1574371737, ClinGen allele CA349242741.

ClinVar aggregate classification (germline): Pathogenic (1 of 4 stars; one submission).

Conditions:
Early-infantile DEE. Also called: Early infantile epileptic encephalopathy; Early infantile epileptic encephalopathy with suppression bursts; Ohtahara syndrome. Identifiers: Orphanet 1934, MedGen C0393706, MONDO:0800491.

Submission:

Labcorp Genetics (formerly Invitae), Labcorp
Classification: Pathogenic for Early-infantile DEE. Last evaluated: 2023-02-14. Review status: criteria provided, single submitter. Criteria: Invitae Variant Classification Sherloc (09022015). Collection method: clinical testing. Allele origin: germline.
Comment: For these reasons, this variant has been classified as Pathogenic. This variant disrupts the p.Pro76 amino acid residue in SCN1A. Other variant(s) that disrupt this residue have been observed in individuals with SCN1A-related conditions (PMID: 35231114), which suggests that this may be a clinically significant amino acid residue. Advanced modeling of protein sequence and biophysical properties (such as structural, functional, and spatial information, amino acid conservation, physicochemical variation, residue mobility, and thermodynamic stability) performed at Invitae indicates that this missense variant is expected to disrupt SCN1A protein function. This missense change has been observed in individual(s) with Dravet Syndrome (PMID: 28012175). In at least one individual the variant was observed to be de novo. This variant is not present in population databases (gnomAD no frequency). This sequence change replaces proline, which is neutral and non-polar, with threonine, which is neutral and polar, at codon 76 of the SCN1A protein (p.Pro76Thr).

Literature cited by the submitters: PubMed 35231114; PubMed 28012175.